The following is an entry in ClinVar:

NM_002473.6(MYH9):c.4716C>T (p.Asp1572=)

Gene: MYH9 (myosin heavy chain 9; minus strand). Cytogenetic location: 22q12.3.
Variant type: single nucleotide variant.
Coding change: c.4716C>T on transcript NM_002473.6 (MANE Select); coding-DNA position 4716, C replaced by T.
Protein change: p.Asp1572=; no amino-acid change (aspartic acid 1572 retained).
Molecular consequence: synonymous variant.
Genome position (GRCh38, 1-based): chr22:36,288,781, G>A on the plus strand (C>T on the coding strand, the complement: MYH9 is on the minus strand). VCF-style: chr22-36288781-G-A. GRCh37 (hg19) VCF-style: chr22-36684827-G-A.
Identifiers: ClinVar variation 44564 (VCV000044564.5), dbSNP rs397516780, ClinGen allele CA134540.

ClinVar aggregate classification (germline): Likely benign (1 of 4 stars; one submission).

Allele frequency attached by ClinVar (database versions not stated): gnomAD exomes below 0.00001 and 0.00001; TOPMed below 0.00001.
gnomAD v4.1: 3 of 1,611,294 alleles (0.00019%); highest among the groups gnomAD compares: Non-Finnish European, 0.00025%; no homozygotes.

Submission:

Laboratory for Molecular Medicine, Mass General Brigham Personalized Medicine
Classification: Likely benign. Last evaluated: 2013-02-23. Review status: criteria provided, single submitter. Criteria: LMM Criteria. Collection method: clinical testing. Allele origin: germline. Observed: 1 variant allele.
Comment: Asp1572Asp in exon 33 of MYH9: This variant is not expected to have clinical sig nificance because it does not alter an amino acid residue and is not located wit hin the splice consensus sequence.